The following is an entry in ClinVar:

ClinVar aggregate classification (germline): Uncertain significance (1 of 4 stars; one submission).

Conditions:
Hereditary nonpolyposis colorectal neoplasms. Identifiers: MedGen C0009405, MeSH D003123.

Submission:

Labcorp Genetics (formerly Invitae), Labcorp
Classification: Uncertain significance for Hereditary nonpolyposis colorectal neoplasms. Last evaluated: 2021-09-29. Review status: criteria provided, single submitter. Criteria: Invitae Variant Classification Sherloc (09022015). Collection method: clinical testing. Allele origin: germline.
Comment: In summary, the available evidence is currently insufficient to determine the role of this variant in disease. Therefore, it has been classified as a Variant of Uncertain Significance. Algorithms developed to predict the effect of missense changes on protein structure and function (SIFT, PolyPhen-2, Align-GVGD) all suggest that this variant is likely to be disruptive. This variant has not been reported in the literature in individuals affected with MSH6-related conditions. This variant is not present in population databases (ExAC no frequency). This sequence change replaces valine with alanine at codon 1192 of the MSH6 protein (p.Val1192Ala). The valine residue is highly conserved and there is a small physicochemical difference between valine and alanine.

NM_000179.3(MSH6):c.3575T>C (p.Val1192Ala)

Gene: MSH6 (mutS homolog 6; plus strand). Cytogenetic location: 2p16.3.
Variant type: single nucleotide variant.
Coding change: c.3575T>C on transcript NM_000179.3 (MANE Select); coding-DNA position 3575, T replaced by C.
Protein change: p.Val1192Ala; replaces valine 1192 with alanine.
Molecular consequence: missense variant.
Genome position (GRCh38, 1-based): chr2:47,805,636, T>C. VCF-style: chr2-47805636-T-C. GRCh37 (hg19) VCF-style: chr2-48032775-T-C.
Other names: c.3185T>C, p.Val1062Ala (NM_001281492.2); c.2669T>C, p.Val890Ala (NM_001281493.2, NM_001281494.2); short protein forms V890A, V1062A, V1192A.
Identifiers: ClinVar variation 951839 (VCV000951839.8), dbSNP rs1572741755, ClinGen allele CA346760502.